The following is an entry in ClinVar:

ClinVar aggregate classification (germline): Uncertain significance (1 of 4 stars; one submission).

Allele frequency attached by ClinVar (database versions not stated): gnomAD exomes below 0.00001; ExAC 0.00001.
gnomAD v4.1: 3 of 1,608,134 alleles (0.00019%); highest among the groups gnomAD compares: Non-Finnish European, 0.00017%; no homozygotes.

Submission:

Ambry Genetics
Classification: Uncertain significance. Last evaluated: 2025-03-13. Review status: criteria provided, single submitter. Criteria: Ambry Variant Classification Scheme 2023. Collection method: clinical testing. Allele origin: germline.
Comment: The p.P880S variant (also known as c.2638C>T), located in coding exon 21 of the A2ML1 gene, results from a C to T substitution at nucleotide position 2638. The proline at codon 880 is replaced by serine, an amino acid with similar properties. This amino acid position is conserved. In addition, this alteration is predicted to be tolerated by in silico analysis. Since supporting evidence is limited at this time, the clinical significance of this alteration remains unclear.

NM_144670.6(A2ML1):c.2638C>T (p.Pro880Ser)

Gene: A2ML1 (alpha-2-macroglobulin like 1; plus strand). Cytogenetic location: 12p13.31.
Variant type: single nucleotide variant.
Coding change: c.2638C>T on transcript NM_144670.6 (MANE Select); coding-DNA position 2638, C replaced by T.
Protein change: p.Pro880Ser; replaces proline 880 with serine.
Molecular consequence: missense variant.
Genome position (GRCh38, 1-based): chr12:8,854,175, C>T. VCF-style: chr12-8854175-C-T. GRCh37 (hg19) VCF-style: chr12-9006771-C-T.
Other names: c.1165C>T, p.Pro389Ser (NM_001282424.3); short protein forms P389S, P880S.
Identifiers: ClinVar variation 1794143 (VCV001794143.3), dbSNP rs769358024, ClinGen allele CA6436081.